The following is an entry in ClinVar:

NM_001135050.2(IGSF9):c.1212C>T (p.Ala404=)

Gene: IGSF9 (immunoglobulin superfamily member 9; minus strand). Cytogenetic location: 1q23.2.
Variant type: single nucleotide variant.
Coding change: c.1212C>T on transcript NM_001135050.2 (MANE Select); coding-DNA position 1212, C replaced by T.
Protein change: p.Ala404=; no amino-acid change (alanine 404 retained).
Molecular consequence: synonymous variant.
Genome position (GRCh38, 1-based): chr1:159,932,545, G>A on the plus strand (C>T on the coding strand, the complement: IGSF9 is on the minus strand). VCF-style: chr1-159932545-G-A. GRCh37 (hg19) VCF-style: chr1-159902335-G-A.
Other names: c.1164C>T, p.Ala388= (NM_020789.4).
Identifiers: ClinVar variation 2639489 (VCV002639489.24), dbSNP rs111438240, ClinGen allele CA1192219.

ClinVar aggregate classification (germline): Likely benign (1 of 4 stars; one submission).

Allele frequency attached by ClinVar (database versions not stated): TOPMed 0.00307; 1000 Genomes Project 30x 0.00328; 1000 Genomes Project 0.00339; ESP Exome Variant Server 0.00415; gnomAD 0.00426; gnomAD exomes 0.00511; ExAC 0.00632.
gnomAD v4.1: 8,131 of 1,613,782 alleles (0.5%); highest among the groups gnomAD compares: Middle Eastern, 1.3%; 39 homozygotes.

Submission:

CeGaT Center for Human Genetics Tuebingen
Classification: Likely benign. Last evaluated: 2023-04-01. Review status: criteria provided, single submitter. Criteria: CeGaT Center For Human Genetics Tuebingen Variant Classification Criteria Version 2. Collection method: clinical testing. Allele origin: germline. Affected: yes. Observed: 1 variant allele.
Comment: IGSF9: BP4, BP7, BS2